The following is an entry in ClinVar:

ClinVar aggregate classification (germline): Uncertain significance (1 of 4 stars; one submission).

Conditions:
Hereditary cancer-predisposing syndrome. Also called: Neoplastic Syndromes, Hereditary; Tumor predisposition; Hereditary Cancer Syndrome; Hereditary neoplastic syndrome. Identifiers: Orphanet 140162, MedGen C0027672, MeSH D009386, MONDO:0015356.

Submission:

Ambry Genetics
Classification: Uncertain significance for Hereditary cancer-predisposing syndrome. Last evaluated: 2026-02-03. Review status: criteria provided, single submitter. Criteria: Ambry Variant Classification Scheme 2023. Collection method: clinical testing. Allele origin: germline.
Comment: The p.D514E variant (also known as c.1542T>A), located in coding exon 11 of the PTCH1 gene, results from a T to A substitution at nucleotide position 1542. The aspartic acid at codon 514 is replaced by glutamic acid, an amino acid with highly similar properties. This amino acid position is highly conserved in available vertebrate species. In addition, this alteration is predicted to be deleterious by in silico analysis. Based on the available evidence, the clinical significance of this variant remains unclear.

NM_000264.5(PTCH1):c.1542T>A (p.Asp514Glu)

Gene: PTCH1 (patched 1; minus strand). Cytogenetic location: 9q22.32.
Variant type: single nucleotide variant.
Coding change: c.1542T>A on transcript NM_000264.5 (MANE Select); coding-DNA position 1542, T replaced by A.
Protein change: p.Asp514Glu; replaces aspartic acid 514 with glutamic acid.
Molecular consequence: missense variant. On other transcripts: non-coding transcript variant (1).
Genome position (GRCh38, 1-based): chr9:95,476,819, A>T on the plus strand (T>A on the coding strand, the complement: PTCH1 is on the minus strand). VCF-style: chr9-95476819-A-T. GRCh37 (hg19) VCF-style: chr9-98239101-A-T.
Other names: c.1344T>A, p.Asp448Glu (NM_001083602.3); c.1539T>A, p.Asp513Glu (NM_001083603.3); c.1089T>A, p.Asp363Glu (NM_001083604.3, NM_001083605.3, NM_001083606.3 and 1 more transcripts); c.1386T>A, p.Asp462Glu (NM_001354918.2); short protein forms D363E, D514E, D448E, D513E, D462E.
Identifiers: ClinVar variation 4845074 (VCV004845074.1).